The following is an entry in ClinVar:

NM_001166114.2(PNPLA6):c.3300del (p.Arg1101fs)

Gene: PNPLA6 (patatin like domain 6, lysophospholipase; plus strand). Cytogenetic location: 19p13.2.
Variant type: Deletion.
Coding change: c.3300del on transcript NM_001166114.2 (MANE Select); coding-DNA position 3300, one base deleted (G; older notation c.3300delG).
Protein change: p.Arg1101fs; shifts the reading frame from arginine 1101.
Molecular consequence: frameshift variant.
Genome position (GRCh38, 1-based): chr19:7,557,187, G deleted. VCF-style (leftmost placement, unchanged base first): chr19-7557186-TG-T. GRCh37 (hg19) VCF-style: chr19-7622072-TG-T.
Other names: c.3330del, p.Arg1111fs (NM_001166111.2); c.3105del, p.Arg1036fs (NM_001166112.2); c.3186del, p.Arg1063fs (NM_001166113.1, NM_006702.5); short protein forms R1036fs, R1101fs, R1111fs, R1063fs.
Identifiers: ClinVar variation 571226 (VCV000571226.8), dbSNP rs756591718, ClinGen allele CA9140422.

ClinVar aggregate classification (germline): Pathogenic (1 of 4 stars; one submission).

Conditions:
Hereditary spastic paraplegia 39 (SPG39). Also called: SPASTIC PARAPLEGIA 39, AUTOSOMAL RECESSIVE; Spastic Paraplegia Type 39 (SPG39). Identifiers: Orphanet 139480, MedGen C2677586, MONDO:0012787, OMIM 612020.

Allele frequency attached by ClinVar (database versions not stated): gnomAD exomes below 0.00001; ExAC 0.00001; TOPMed 0.00002; gnomAD 0.00003 and 0.00004.

Submission:

Labcorp Genetics (formerly Invitae), Labcorp
Classification: Pathogenic for Hereditary spastic paraplegia 39. Last evaluated: 2019-06-21. Review status: criteria provided, single submitter. Criteria: Invitae Variant Classification Sherloc (09022015). Collection method: clinical testing. Allele origin: germline.
Comment: For these reasons, this variant has been classified as Pathogenic. Loss-of-function variants in PNPLA6 are known to be pathogenic (PMID: 24355708). This variant has not been reported in the literature in individuals with PNPLA6-related conditions. ClinVar contains an entry for this variant (Variation ID: 571226). This variant is present in population databases (rs756591718, ExAC 0.01%). This sequence change creates a premature translational stop signal (p.Arg1063Alafs*4) in the PNPLA6 gene. It is expected to result in an absent or disrupted protein product.

Literature cited by the submitters: PubMed 24355708.